The following is an entry in ClinVar:

ClinVar aggregate classification (germline): Benign (1 of 4 stars; one submission).

Conditions:
Familial infantile myoclonic epilepsy (FIME). Also called: TBC1D24-Related Familial Infantile Myoclonic Epilepsy (FIME); Epilepsy, Myoclonic, Infantile. Identifiers: Orphanet 352582, MedGen C0917800, MONDO:0011506, OMIM 605021.

Allele frequency attached by ClinVar (database versions not stated): 1000 Genomes Project 0.01817; 1000 Genomes Project 30x 0.01889; TOPMed 0.02038.

Submission:

Illumina Laboratory Services, Illumina
Classification: Benign for Familial infantile myoclonic epilepsy. Last evaluated: 2018-01-12. Review status: criteria provided, single submitter. Criteria: ICSL Variant Classification Criteria 13 December 2019. Collection method: clinical testing. Allele origin: germline.
Comment: This variant was observed in the ICSL laboratory as part of a predisposition screen in an ostensibly healthy population. It had not been previously curated by ICSL or reported in the Human Gene Mutation Database (HGMD: prior to June 1st, 2018), and was therefore a candidate for classification through an automated scoring system. Utilizing variant allele frequency, disease prevalence and penetrance estimates, and inheritance mode, an automated score was calculated to assess if this variant is too frequent to cause the disease. Based on the score and internal cut-off values, a variant classified as benign is not then subjected to further curation. The score for this variant resulted in a classification of benign for this disease.

NM_001199107.2(TBC1D24):c.*4067C>T

Gene: TBC1D24 (TBC1 domain family member 24; plus strand). Cytogenetic location: 16p13.3.
Variant type: single nucleotide variant.
Coding change: c.*4067C>T on transcript NM_001199107.2 (MANE Select); 4067 bases downstream of the stop codon, C replaced by T.
Molecular consequence: 3 prime UTR variant.
Genome position (GRCh38, 1-based): chr16:2,505,025, C>T. VCF-style: chr16-2505025-C-T. GRCh37 (hg19) VCF-style: chr16-2555026-C-T.
Other names: c.*4067C>T (NM_020705.3).
Identifiers: ClinVar variation 318700 (VCV000318700.5), dbSNP rs74003014, ClinGen allele CA10637476.